The following is an entry in ClinVar:

ClinVar aggregate classification (germline): Uncertain significance (1 of 4 stars; one submission).

Conditions:
Baller-Gerold syndrome (BGS). Also called: CRANIOSYNOSTOSIS WITH RADIAL DEFECTS. Identifiers: Orphanet 1225, MedGen C0265308, MONDO:0009039, OMIM 218600.

Submission:

Labcorp Genetics (formerly Invitae), Labcorp
Classification: Uncertain significance for Baller-Gerold syndrome. Last evaluated: 2025-07-08. Review status: criteria provided, single submitter. Criteria: Invitae Variant Classification Sherloc (09022015). Collection method: clinical testing. Allele origin: germline.
Comment: This variant, c.3142_3144del, is a complex sequence change that results in the deletion of 1 amino acid(s) in the RECQL4 protein (p.Lys1048del). This variant is present in population databases (rs772583454, gnomAD 0.002%). This variant has not been reported in the literature in individuals affected with RECQL4-related conditions. ClinVar contains an entry for this variant (Variation ID: 573369). Experimental studies and prediction algorithms are not available or were not evaluated, and the functional significance of this variant is currently unknown. In summary, the available evidence is currently insufficient to determine the role of this variant in disease. Therefore, it has been classified as a Variant of Uncertain Significance.

NM_004260.4(RECQL4):c.3142_3144del (p.Lys1048del)

Gene: RECQL4 (RecQ like helicase 4; minus strand). Cytogenetic location: 8q24.3.
Variant type: Deletion.
Coding change: c.3142_3144del on transcript NM_004260.4 (MANE Select); coding-DNA positions 3142 to 3144, 3 bases deleted (AAG; older notation c.3142_3144delAAG).
Protein change: p.Lys1048del; deletes lysine 1048.
Molecular consequence: inframe deletion.
Genome position (GRCh38, 1-based): chr8:144,512,236-144,512,238, CTT deleted on the plus strand (AAG on the coding strand, the reverse complement: RECQL4 is on the minus strand); deleting any 3 consecutive bases within chr8:144,512,236-144,512,240 gives the same sequence; the c. name uses the placement nearest the transcript's 3' end. VCF-style (leftmost placement, unchanged base first): chr8-144512235-CCTT-C. GRCh37 (hg19) VCF-style: chr8-145737618-CCTT-C.
Other names: c.3142_3144delAAG (NM_004260.3); short protein forms K1048del.
Identifiers: ClinVar variation 573369 (VCV000573369.7), dbSNP rs772583454, ClinGen allele CA4947912.
Genomic context (GRCh38, chr8:144,512,235, plus strand): 5'-GGGCCAGGGCCTGGCGCTCCCGGGCCTGCACACGGCCATAGAGGAAGTCACATATCTGGT[CCTT>C]CTCCTCAGCGGTCAAGTCCCCCGGGCTGCGAAGGTGGAAGGCCAGCTCACTGAACTCCAC-3'